The following is an entry in ClinVar:

ClinVar aggregate classification (germline): Uncertain significance (1 of 4 stars; one submission).

Conditions:
Cardiovascular phenotype. Identifiers: MedGen CN230736.

Submission:

Ambry Genetics
Classification: Uncertain significance for Cardiovascular phenotype. Last evaluated: 2025-11-15. Review status: criteria provided, single submitter. Criteria: Ambry Variant Classification Scheme 2023. Collection method: clinical testing. Allele origin: germline.
Comment: The p.D245Y variant (also known as c.733G>T), located in coding exon 6 of the MYBPC3 gene, results from a G to T substitution at nucleotide position 733. The aspartic acid at codon 245 is replaced by tyrosine, an amino acid with highly dissimilar properties. This amino acid position is conserved. In addition, this alteration is predicted to be deleterious by in silico analysis. Based on the available evidence, the clinical significance of this variant remains unclear.

NM_000256.3(MYBPC3):c.733G>T (p.Asp245Tyr)

Gene: MYBPC3 (myosin binding protein C3; minus strand). Cytogenetic location: 11p11.2.
Variant type: single nucleotide variant.
Coding change: c.733G>T on transcript NM_000256.3 (MANE Select); coding-DNA position 733, G replaced by T.
Protein change: p.Asp245Tyr; replaces aspartic acid 245 with tyrosine.
Molecular consequence: missense variant.
Genome position (GRCh38, 1-based): chr11:47,348,463, C>A on the plus strand (G>T on the coding strand, the complement: MYBPC3 is on the minus strand). VCF-style: chr11-47348463-C-A. GRCh37 (hg19) VCF-style: chr11-47370014-C-A.
Other names: short protein forms D245Y.
Identifiers: ClinVar variation 4614585 (VCV004614585.1).
Genomic context (GRCh38, chr11:47,348,463, plus strand): 5'-CAGACACCAGGGCCCCCTCACCGTGGACAGTGAGATTGAAGTTGGAGCAGTCAAATTTGT[C>A]CTTGGTGGACACCTCACAGCGGTAGCTGCCAGTGAAGGCAGGCTGGGCATCGGTGATGTG-3'
Protein context (NP_000247.2, residues 235-255): GSYRCEVSTK[Asp245Tyr]KFDCSNFNLT